The following is an entry in ClinVar:

ClinVar aggregate classification (germline): Uncertain significance. Review status: criteria provided, multiple submitters, no conflicts (2 of 4 stars). 2 submissions from 2 submitters: Uncertain significance (2). Last evaluated 2025-02-21.

Conditions:
Mosaic variegated aneuploidy syndrome 2 (MVA2). Identifiers: Orphanet 1052, MedGen C3279843, MONDO:0013582, OMIM 614114.
Inborn genetic diseases. Identifiers: MedGen C0950123, MeSH D030342.

Submissions (2):

Ambry Genetics
Classification: Uncertain significance for Inborn genetic diseases. Last evaluated: 2025-02-21. Review status: criteria provided, single submitter. Criteria: Ambry Variant Classification Scheme 2023. Collection method: clinical testing. Allele origin: germline.
Comment: The p.L478H variant (also known as c.1433T>A), located in coding exon 11 of the CEP57 gene, results from a T to A substitution at nucleotide position 1433. The leucine at codon 478 is replaced by histidine, an amino acid with similar properties. This amino acid position is conserved. In addition, the in silico prediction for this alteration is inconclusive. Based on the available evidence, the clinical significance of this variant remains unclear.

Labcorp Genetics (formerly Invitae), Labcorp
Classification: Uncertain significance for Mosaic variegated aneuploidy syndrome 2. Last evaluated: 2019-07-24. Review status: criteria provided, single submitter. Criteria: Invitae Variant Classification Sherloc (09022015). Collection method: clinical testing. Allele origin: germline.
Comment: In summary, the available evidence is currently insufficient to determine the role of this variant in disease. Therefore, it has been classified as a Variant of Uncertain Significance. Algorithms developed to predict the effect of missense changes on protein structure and function are either unavailable or do not agree on the potential impact of this missense change (SIFT: "Deleterious"; PolyPhen-2: "Probably Damaging"; Align-GVGD: "Class C0"). This variant has not been reported in the literature in individuals with CEP57-related conditions. This variant is not present in population databases (ExAC no frequency). This sequence change replaces leucine with histidine at codon 478 of the CEP57 protein (p.Leu478His). The leucine residue is highly conserved and there is a moderate physicochemical difference between leucine and histidine.

NM_014679.5(CEP57):c.1433T>A (p.Leu478His)

Gene: CEP57 (centrosomal protein 57; plus strand). Cytogenetic location: 11q21.
Variant type: single nucleotide variant.
Coding change: c.1433T>A on transcript NM_014679.5 (MANE Select); coding-DNA position 1433, T replaced by A.
Protein change: p.Leu478His; replaces leucine 478 with histidine.
Molecular consequence: missense variant.
Genome position (GRCh38, 1-based): chr11:95,831,186, T>A. VCF-style: chr11-95831186-T-A. GRCh37 (hg19) VCF-style: chr11-95564350-T-A.
Other names: c.1406T>A, p.Leu469His (NM_001243776.2); c.1355T>A, p.Leu452His (NM_001243777.2); c.1352T>A, p.Leu451His (NM_001363604.2); short protein forms L451H, L478H, L469H, L452H.
Identifiers: ClinVar variation 953431 (VCV000953431.10), dbSNP rs1862992904, ClinGen allele CA382410274.